The following is an entry in ClinVar:

ClinVar aggregate classification (germline): Likely pathogenic (1 of 4 stars; one submission).

Conditions:
Hypophosphatemic rickets, autosomal recessive, 1 (ARHR1). Also called: HYPOPHOSPHATEMIA, AUTOSOMAL RECESSIVE. Identifiers: Orphanet 289176, MedGen C4551495, MONDO:0009430, OMIM 241520. Disease mechanism: loss of function.

Submission:

Juno Genomics, Hangzhou Juno Genomics, Inc
Classification: Likely pathogenic for Hypophosphatemic rickets, autosomal recessive, 1. Review status: criteria provided, single submitter. Criteria: ACMG Guidelines, 2015. Collection method: clinical testing. Allele origin: germline.
Comment: Absent from controls (or at extremely low frequency if recessive) in Genome Aggregation Database.;Null variant in a gene where loss of function (LOF) is a known mechanism of disease.;For recessive disorders, detected in trans with a pathogenic variant.

NM_004407.4(DMP1):c.1084_1087del (p.Glu362fs)

Genes: DMP1 (dentin matrix acidic phosphoprotein 1; plus strand), DMP1-AS1 (DMP1 and DSPP antisense RNA 1; minus strand). Cytogenetic location: 4q22.1.
Variant type: Microsatellite.
Coding change: c.1084_1087del on transcript NM_004407.4 (MANE Select); coding-DNA positions 1084 to 1087, 4 bases deleted (GAGT; older notation c.1084_1087delGAGT).
Protein change: p.Glu362fs; shifts the reading frame from glutamic acid 362.
Molecular consequence: frameshift variant.
Genome position (GRCh38, 1-based): chr4:87,662,862-87,662,865, GAGT deleted; deleting any 4 consecutive bases within chr4:87,662,856-87,662,865 gives the same sequence; the c. name uses the placement nearest the transcript's 3' end. VCF-style (leftmost placement, unchanged base first): chr4-87662855-GGTGA-G. GRCh37 (hg19) VCF-style: chr4-88584007-GGTGA-G.
Other names: c.1036_1039del, p.Glu346fs (NM_001079911.3); short protein forms E346fs, E362fs.
Identifiers: ClinVar variation 5006803 (VCV005006803.2).